The following is an entry in ClinVar:

NM_173598.6(KSR2):c.910G>T (p.Gly304Ter)

Gene: KSR2 (kinase suppressor of ras 2; minus strand). Cytogenetic location: 12q24.23.
Variant type: single nucleotide variant.
Coding change: c.910G>T on transcript NM_173598.6 (MANE Select); coding-DNA position 910, G replaced by T.
Protein change: p.Gly304Ter; replaces glycine 304 with a stop codon.
Molecular consequence: nonsense.
Genome position (GRCh38, 1-based): chr12:117,761,087, C>A on the plus strand (G>T on the coding strand, the complement: KSR2 is on the minus strand). VCF-style: chr12-117761087-C-A. GRCh37 (hg19) VCF-style: chr12-118198892-C-A.
Other names: short protein forms G304*.
Identifiers: ClinVar variation 4993023 (VCV004993023.1).

ClinVar aggregate classification (germline): Uncertain significance (1 of 4 stars; one submission).

Conditions:
KSR2-related disorder. Also called: KSR2-related condition.

Submission:

PreventionGenetics, part of Exact Sciences
Classification: Uncertain significance for KSR2-related condition. Last evaluated: 2026-08-27. Review status: criteria provided, single submitter. Criteria: ACMG Guidelines, 2015. Collection method: clinical testing. Allele origin: germline.
Comment: The KSR2 c.823G>T variant is predicted to result in premature protein termination (p.Gly275*). To our knowledge, this variant has not been reported in the literature or in a large population database (gnomAD), indicating this variant is rare. Although we suspect that this variant may be pathogenic, at this time, the clinical significance of this variant is uncertain due to the absence of conclusive functional and genetic evidence.